The following is an entry in ClinVar:

NM_001122681.2(SH3BP2):c.1025G>A (p.Arg342Gln)

Gene: SH3BP2 (SH3 domain binding protein 2; plus strand). Cytogenetic location: 4p16.3.
Variant type: single nucleotide variant.
Coding change: c.1025G>A on transcript NM_001122681.2 (MANE Select); coding-DNA position 1025, G replaced by A.
Protein change: p.Arg342Gln; replaces arginine 342 with glutamine.
Molecular consequence: missense variant.
Genome position (GRCh38, 1-based): chr4:2,829,931, G>A. VCF-style: chr4-2829931-G-A. GRCh37 (hg19) VCF-style: chr4-2831658-G-A.
Other names: c.1109G>A, p.Arg370Gln (NM_001145855.2); c.1196G>A, p.Arg399Gln (NM_001145856.2); c.1025G>A, p.Arg342Gln (NM_003023.4); short protein forms R342Q, R370Q, R399Q.
Identifiers: ClinVar variation 3698683 (VCV003698683.4).

ClinVar aggregate classification (germline): Uncertain significance. Review status: criteria provided, multiple submitters, no conflicts (2 of 4 stars). 2 submissions from 2 submitters: Uncertain significance (2). Last evaluated 2025-08-02.

Conditions:
Inborn genetic diseases. Identifiers: MedGen C0950123, MeSH D030342.
Fibrous dysplasia of jaw (CRBM). Also called: Cherubism. Identifiers: Orphanet 184, MedGen C0008029, MONDO:0007315, OMIM 118400.

gnomAD v4.1: 16 of 1,613,232 alleles (0.00099%); highest among the groups gnomAD compares: East Asian, 0.0022%; no homozygotes.

Submissions (3):

Ambry Genetics
Classification: Uncertain significance for Inborn genetic diseases. Last evaluated: 2025-08-02. Review status: criteria provided, single submitter. Criteria: Ambry Variant Classification Scheme 2023. Collection method: clinical testing. Allele origin: germline.

Labcorp Genetics (formerly Invitae), Labcorp
Classification: Uncertain significance for Fibrous dysplasia of jaw. Last evaluated: 2024-04-09. Review status: criteria provided, single submitter. Criteria: Invitae Variant Classification Sherloc (09022015). Collection method: clinical testing. Allele origin: germline.
Comment: This sequence change replaces arginine, which is basic and polar, with glutamine, which is neutral and polar, at codon 342 of the SH3BP2 protein (p.Arg342Gln). This variant is present in population databases (no rsID available, gnomAD 0.005%). This variant has not been reported in the literature in individuals affected with SH3BP2-related conditions. Advanced modeling of protein sequence and biophysical properties (such as structural, functional, and spatial information, amino acid conservation, physicochemical variation, residue mobility, and thermodynamic stability) performed at Invitae indicates that this missense variant is not expected to disrupt SH3BP2 protein function with a negative predictive value of 80%. Algorithms developed to predict the effect of sequence changes on RNA splicing suggest that this variant may create or strengthen a splice site. In summary, the available evidence is currently insufficient to determine the role of this variant in disease. Therefore, it has been classified as a Variant of Uncertain Significance.

Dr. Peter K. Rogan Lab, Western University
No classification provided (evidence only). Condition: Uterine corpus endometrial carcinoma. Review status: no classification provided. Collection method: in vitro. Allele origin: not applicable. Functional consequence: cryptic splice site, retained intron. Not counted in ClinVar's aggregate classification.